The following is an entry in ClinVar:

ClinVar aggregate classification (germline): Uncertain significance. Review status: criteria provided, multiple submitters, no conflicts (2 of 4 stars). 2 submissions from 2 submitters: Uncertain significance (2). Last evaluated 2022-03-19.

Conditions:
Singleton-Merten syndrome 1 (SGMRT1). Also called: Widened medullary cavities of bone, aortic calcification, abnormal dentition, and muscular weakness; Syndrome of widened medullary cavities of the metacarpals and phalanges, aortic calcification and abnormal dentition. Identifiers: Orphanet 85191, MedGen C4225427, MONDO:0024535, OMIM 182250.
Aicardi-Goutieres syndrome 7 (AGS7). Identifiers: Orphanet 51, MedGen C3888244, MONDO:0014367, OMIM 615846.
Immunodeficiency 95 (IMD95). Identifiers: MedGen C5676929, MONDO:0030692, OMIM 619773.

gnomAD v4.1: 1 of 1,611,500 alleles (0.000062%); highest among the groups gnomAD compares: East Asian, 0.0022%; no homozygotes.

Submissions (2):

Labcorp Genetics (formerly Invitae), Labcorp
Classification: Uncertain significance for Aicardi-Goutieres syndrome 7; Singleton-Merten syndrome 1. Last evaluated: 2022-03-19. Review status: criteria provided, single submitter. Criteria: Invitae Variant Classification Sherloc (09022015). Collection method: clinical testing. Allele origin: germline.
Comment: In summary, the available evidence is currently insufficient to determine the role of this variant in disease. Therefore, it has been classified as a Variant of Uncertain Significance. Algorithms developed to predict the effect of missense changes on protein structure and function are either unavailable or do not agree on the potential impact of this missense change (SIFT: "Deleterious"; PolyPhen-2: "Probably Damaging"; Align-GVGD: "Class C0"). This variant has not been reported in the literature in individuals affected with IFIH1-related conditions. This variant is not present in population databases (gnomAD no frequency). This sequence change replaces arginine, which is basic and polar, with leucine, which is neutral and non-polar, at codon 820 of the IFIH1 protein (p.Arg820Leu).

Juno Genomics, Hangzhou Juno Genomics, Inc
Classification: Uncertain significance for Singleton-Merten syndrome 1; Aicardi-Goutieres syndrome 7; Immunodeficiency 95. Review status: criteria provided, single submitter. Criteria: ACMG Guidelines, 2015. Collection method: clinical testing. Allele origin: germline.
Comment: Absent from controls (or at extremely low frequency if recessive) in Genome Aggregation Database.;Multiple lines of computational evidence support a deleterious effect on the gene or gene product.

NM_022168.4(IFIH1):c.2459G>T (p.Arg820Leu)

Gene: IFIH1 (interferon induced with helicase C domain 1; minus strand). Cytogenetic location: 2q24.2.
Variant type: single nucleotide variant.
Coding change: c.2459G>T on transcript NM_022168.4 (MANE Select); coding-DNA position 2459, G replaced by T.
Protein change: p.Arg820Leu; replaces arginine 820 with leucine.
Molecular consequence: missense variant.
Genome position (GRCh38, 1-based): chr2:162,272,383, C>A on the plus strand (G>T on the coding strand, the complement: IFIH1 is on the minus strand). VCF-style: chr2-162272383-C-A. GRCh37 (hg19) VCF-style: chr2-163128893-C-A.
Other names: short protein forms R820L.
Identifiers: ClinVar variation 1397788 (VCV001397788.10), dbSNP rs74162087, ClinGen allele CA348994580.
Genomic context (GRCh38, chr2:162,272,383, plus strand): 5'-ACTCCTGAACCACTGTGAGCAACCAGGACGTAGGTGCTCTCATCAGCTCTGGCTCGACCA[C>A]GGGCCTGAAAACACAAATAAATCAAGTAAATGAAAGGGTACGTTGTGATACAAATCCTCC-3'
Protein context (NP_071451.2, residues 810-830): VTNEIAMVQA[Arg820Leu]GRARADESTY